The following is an entry in ClinVar:

ClinVar aggregate classification (germline): Uncertain significance (1 of 4 stars; one submission).

Conditions:
Epileptic encephalopathy. Identifiers: MedGen C0543888, HP:0200134.

Submission:

Labcorp Genetics (formerly Invitae), Labcorp
Classification: Uncertain significance for Epileptic encephalopathy. Last evaluated: 2024-10-13. Review status: criteria provided, single submitter. Criteria: Invitae Variant Classification Sherloc (09022015). Collection method: clinical testing. Allele origin: germline.
Comment: This sequence change replaces glutamic acid, which is acidic and polar, with aspartic acid, which is acidic and polar, at codon 462 of the GABBR2 protein (p.Glu462Asp). This variant is not present in population databases (gnomAD no frequency). This variant has not been reported in the literature in individuals affected with GABBR2-related conditions. ClinVar contains an entry for this variant (Variation ID: 1482077). Invitae Evidence Modeling of protein sequence and biophysical properties (such as structural, functional, and spatial information, amino acid conservation, physicochemical variation, residue mobility, and thermodynamic stability) indicates that this missense variant is not expected to disrupt GABBR2 protein function with a negative predictive value of 80%. In summary, the available evidence is currently insufficient to determine the role of this variant in disease. Therefore, it has been classified as a Variant of Uncertain Significance.

NM_005458.8(GABBR2):c.1386A>T (p.Glu462Asp)

Gene: GABBR2 (gamma-aminobutyric acid type B receptor subunit 2; minus strand). Cytogenetic location: 9q22.33.
Variant type: single nucleotide variant.
Coding change: c.1386A>T on transcript NM_005458.8 (MANE Select); coding-DNA position 1386, A replaced by T.
Protein change: p.Glu462Asp; replaces glutamic acid 462 with aspartic acid.
Molecular consequence: missense variant.
Genome position (GRCh38, 1-based): chr9:98,388,997, T>A on the plus strand (A>T on the coding strand, the complement: GABBR2 is on the minus strand). VCF-style: chr9-98388997-T-A. GRCh37 (hg19) VCF-style: chr9-101151279-T-A.
Other names: short protein forms E462D.
Identifiers: ClinVar variation 1482077 (VCV001482077.8), dbSNP rs2131496387, ClinGen allele CA374211866.